The following is an entry in ClinVar:

NM_005144.5(HR):c.1010G>A (p.Gly337Asp)

Gene: HR (HR lysine demethylase and nuclear receptor corepressor; minus strand). Cytogenetic location: 8p21.3.
Variant type: single nucleotide variant.
Coding change: c.1010G>A on transcript NM_005144.5 (MANE Select); coding-DNA position 1010, G replaced by A.
Protein change: p.Gly337Asp; replaces glycine 337 with aspartic acid.
Molecular consequence: missense variant.
Genome position (GRCh38, 1-based): chr8:22,127,432, C>T on the plus strand (G>A on the coding strand, the complement: HR is on the minus strand). VCF-style: chr8-22127432-C-T. GRCh37 (hg19) VCF-style: chr8-21984945-C-T.
Other names: c.1010G>A, p.Gly337Asp (NM_018411.4); short protein forms G337D.
Identifiers: ClinVar variation 362525 (VCV000362525.15), dbSNP rs12675375, ClinGen allele CA4662584.

ClinVar aggregate classification (germline): Benign. Review status: criteria provided, multiple submitters, no conflicts (2 of 4 stars). 7 submissions from 5 submitters: Benign (7). Last evaluated 2026-02-04.

Conditions:
Atrichia with papular lesions (APL). Also called: PAPULAR ATRICHIA. Identifiers: Orphanet 86819, MedGen C1859592, MONDO:0008847, OMIM 209500.
Alopecia universalis congenita (ALUNC). Also called: ATRICHIA, GENERALIZED. Identifiers: Orphanet 701, MedGen C1859877, MONDO:0008757, OMIM 203655.

Allele frequency attached by ClinVar (database versions not stated): TOPMed 0.27776; ESP Exome Variant Server 0.28068; gnomAD 0.28084 and 0.28718; 1000 Genomes Project 30x 0.28888; 1000 Genomes Project 0.29633; gnomAD exomes 0.31435 and 0.32846; ExAC 0.32049.
gnomAD v4.1: 523,693 of 1,612,408 alleles (32%); highest among the groups gnomAD compares: Middle Eastern, 46%; 88,002 homozygotes.

Submissions (7):

Labcorp Genetics (formerly Invitae), Labcorp
Classification: Benign. Last evaluated: 2026-02-04. Review status: criteria provided, single submitter. Criteria: Invitae Variant Classification Sherloc (09022015). Collection method: clinical testing. Allele origin: germline.

Genome-Nilou Lab
Classification: Benign for Alopecia universalis congenita. Last evaluated: 2021-08-10. Review status: criteria provided, single submitter. Criteria: ACMG Guidelines, 2015. Collection method: clinical testing. Allele origin: germline. Affected: no.

Genome-Nilou Lab
Classification: Benign for Atrichia with papular lesions. Last evaluated: 2021-08-10. Review status: criteria provided, single submitter. Criteria: ACMG Guidelines, 2015. Collection method: clinical testing. Allele origin: germline. Affected: no.

GeneDx
Classification: Benign. Last evaluated: 2018-08-06. Review status: criteria provided, single submitter. Criteria: GeneDx Variant Classification Process June 2021. Collection method: clinical testing. Allele origin: germline. Affected: yes.

Illumina Laboratory Services, Illumina
Classification: Benign for Atrichia with papular lesions. Last evaluated: 2018-01-13. Review status: criteria provided, single submitter. Criteria: ICSL Variant Classification Criteria 13 December 2019. Collection method: clinical testing. Allele origin: germline.
Comment: This variant was observed in the ICSL laboratory as part of a predisposition screen in an ostensibly healthy population. It had not been previously curated by ICSL or reported in the Human Gene Mutation Database (HGMD: prior to June 1st, 2018), and was therefore a candidate for classification through an automated scoring system. Utilizing variant allele frequency, disease prevalence and penetrance estimates, and inheritance mode, an automated score was calculated to assess if this variant is too frequent to cause the disease. Based on the score and internal cut-off values, a variant classified as benign is not then subjected to further curation. The score for this variant resulted in a classification of benign for this disease.

Illumina Laboratory Services, Illumina
Classification: Benign for Alopecia universalis congenita. Last evaluated: 2018-01-13. Review status: criteria provided, single submitter. Criteria: ICSL Variant Classification Criteria 13 December 2019. Collection method: clinical testing. Allele origin: germline.
Comment: the same text as in the submission from Illumina Laboratory Services, Illumina above.

Breakthrough Genomics
Classification: Benign. Review status: criteria provided, single submitter. Criteria: ACMG Guidelines, 2015. Collection method: not provided. Allele origin: germline. Inheritance: Autosomal recessive inheritance. Affected: yes.